The following is an entry in ClinVar:

NM_001040108.2(MLH3):c.1659A>T (p.Arg553Ser)

Gene: MLH3 (mutL homolog 3; minus strand). Cytogenetic location: 14q24.3.
Variant type: single nucleotide variant.
Coding change: c.1659A>T on transcript NM_001040108.2 (MANE Select); coding-DNA position 1659, A replaced by T.
Protein change: p.Arg553Ser; replaces arginine 553 with serine.
Molecular consequence: missense variant.
Genome position (GRCh38, 1-based): chr14:75,047,997, T>A on the plus strand (A>T on the coding strand, the complement: MLH3 is on the minus strand). VCF-style: chr14-75047997-T-A. GRCh37 (hg19) VCF-style: chr14-75514700-T-A.
Other names: c.1659A>T, p.Arg553Ser (NM_014381.3); short protein forms R553S.
Identifiers: ClinVar variation 1391103 (VCV001391103.6), dbSNP rs2139578919, ClinGen allele CA390444692.

ClinVar aggregate classification (germline): Uncertain significance (1 of 4 stars; one submission).

Conditions:
Colorectal cancer, hereditary nonpolyposis, type 7. Identifiers: Orphanet 144, MedGen C1858380, MONDO:0013725, OMIM 614385.

Submission:

Labcorp Genetics (formerly Invitae), Labcorp
Classification: Uncertain significance for Colorectal cancer, hereditary nonpolyposis, type 7. Last evaluated: 2022-03-04. Review status: criteria provided, single submitter. Criteria: Invitae Variant Classification Sherloc (09022015). Collection method: clinical testing. Allele origin: germline.
Comment: In summary, the available evidence is currently insufficient to determine the role of this variant in disease. Therefore, it has been classified as a Variant of Uncertain Significance. This sequence change replaces arginine, which is basic and polar, with serine, which is neutral and polar, at codon 553 of the MLH3 protein (p.Arg553Ser). This variant is not present in population databases (gnomAD no frequency). This variant has not been reported in the literature in individuals affected with MLH3-related conditions. Algorithms developed to predict the effect of missense changes on protein structure and function (SIFT, PolyPhen-2, Align-GVGD) all suggest that this variant is likely to be tolerated.